The following is an entry in ClinVar:

ClinVar aggregate classification (germline): Likely benign. Review status: criteria provided, single submitter (1 of 4 stars). 2 submissions from 2 submitters: Likely benign (1). 1 of the submissions does not count toward it. Last evaluated 2025-05-30.

Conditions:
SLC27A5-related disorder. Also called: SLC27A5-related condition.

Allele frequency attached by ClinVar (database versions not stated): gnomAD exomes 0.00002; TOPMed 0.00002; gnomAD 0.00003; ExAC 0.00004.

Submissions (2):

Labcorp Genetics (formerly Invitae), Labcorp
Classification: Likely benign. Last evaluated: 2025-05-30. Review status: criteria provided, single submitter. Criteria: Invitae Variant Classification Sherloc (09022015). Collection method: clinical testing. Allele origin: germline.

PreventionGenetics, part of Exact Sciences
Classification: Likely benign for SLC27A5-related condition. Last evaluated: 2021-09-01. Review status: no assertion criteria provided. Collection method: clinical testing. Allele origin: germline. Not counted in ClinVar's aggregate classification.
Comment: This variant is classified as likely benign based on ACMG/AMP sequence variant interpretation guidelines (Richards et al. 2015 PMID: 25741868, with internal and published modifications).

NM_012254.3(SLC27A5):c.507G>A (p.Leu169=)

Gene: SLC27A5 (solute carrier family 27 member 5; minus strand). Cytogenetic location: 19q13.43.
Variant type: single nucleotide variant.
Coding change: c.507G>A on transcript NM_012254.3 (MANE Select); coding-DNA position 507, G replaced by A.
Protein change: p.Leu169=; no amino-acid change (leucine 169 retained).
Molecular consequence: synonymous variant. On other transcripts: intron variant (1).
Genome position (GRCh38, 1-based): chr19:58,511,449, C>T on the plus strand (G>A on the coding strand, the complement: SLC27A5 is on the minus strand). VCF-style: chr19-58511449-C-T. GRCh37 (hg19) VCF-style: chr19-59022816-C-T.
Other names: c.436+71G>A (NM_001321196.2).
Identifiers: ClinVar variation 3030384 (VCV003030384.3), dbSNP rs768635216, ClinGen allele CA9718272.
Genomic context (GRCh38, chr19:58,511,449, plus strand): 5'-ACACAGGGCTGGAACGGCCTGGGAAGCCAGCACAAGGAGGGCAGTAGGCTCCCCGGCACA[C>T]AGGCTCGCAGGGTCACCCAGCTCAGCCTTCAGGGCCCATGCCGCCTGGCAGGCCCGGGCA-3'
Protein context (NP_036386.1, residues 159-179): LKAELGDPAS[Leu169=]CAGEPTALLV